The following is an entry in ClinVar:

NM_001035.3(RYR2):c.2201C>G (p.Ser734Ter)

Gene: RYR2 (ryanodine receptor 2; plus strand). Cytogenetic location: 1q43.
Variant type: single nucleotide variant.
Coding change: c.2201C>G on transcript NM_001035.3 (MANE Select); coding-DNA position 2201, C replaced by G.
Protein change: p.Ser734Ter; replaces serine 734 with a stop codon.
Molecular consequence: nonsense.
Genome position (GRCh38, 1-based): chr1:237,496,750, C>G. VCF-style: chr1-237496750-C-G. GRCh37 (hg19) VCF-style: chr1-237660050-C-G.
Other names: short protein forms S734*.
Identifiers: ClinVar variation 2761940 (VCV002761940.4), dbSNP rs2150449415, ClinGen allele CA345392524.

ClinVar aggregate classification (germline): Uncertain significance. Review status: criteria provided, multiple submitters, no conflicts (2 of 4 stars). 2 submissions from 2 submitters: Uncertain significance (2). Last evaluated 2026-04-28.

Conditions:
Catecholaminergic polymorphic ventricular tachycardia 1. Also called: VENTRICULAR TACHYCARDIA, CATECHOLAMINERGIC POLYMORPHIC, 1, WITH OR WITHOUT ATRIAL DYSFUNCTION AND/OR DILATED CARDIOMYOPATHY; VENTRICULAR TACHYCARDIA, STRESS-INDUCED POLYMORPHIC 1; RYR2-Related Catecholaminergic Polymorphic Ventricular Tachycardia. Identifiers: Orphanet 3286, MedGen C1631597, MONDO:0011484, OMIM 604772.

Submissions (2):

Women's Health and Genetics/Laboratory Corporation of America, LabCorp
Classification: Uncertain significance. Last evaluated: 2026-04-28. Review status: criteria provided, single submitter. Criteria: LabCorp Variant Classification Summary - May 2015. Collection method: clinical testing. Allele origin: germline.
Comment: Variant summary: RYR2 c.2201C>G (p.Ser734X) results in a premature termination codon, predicted to cause a truncation of the encoded protein or absence of the protein due to nonsense mediated decay. The predominant RYR2 mutational spectrum involves missense variants in individuals with Catecholaminergic Polymorphic Ventricular Tachycardia. Therefore, the impact of loss of function variants in RYR2 on disease is not well established. RYR2 c.2201C>G (p.Ser734X) results in a premature termination codon, predicted to cause a truncation of the encoded protein or absence of the protein due to nonsense mediated decay, however current evidence is not sufficient to establish loss of function as a mechanism for disease. Several computational tools predict a significant impact on normal splicing: Two predict the variant weakens a 5' donor site. Two predict the variant strengthens a cryptic 5' donor site. One predict the variant creates a 5' donor site. However, these predictions have yet to be confirmed by functional studies. The variant was absent in 247100 control chromosomes. The available data on variant occurrences in the general population are insufficient to allow any conclusion about variant significance. To our knowledge, no occurrence of c.2201C>G in individuals affected with RYR2-related conditions and no experimental evidence demonstrating its impact on protein function have been reported. ClinVar contains an entry for this variant (Variation ID: 2761940). Based on the evidence outlined above, the variant was classified as uncertain significance.

Labcorp Genetics (formerly Invitae), Labcorp
Classification: Uncertain significance for Catecholaminergic polymorphic ventricular tachycardia 1. Last evaluated: 2023-09-19. Review status: criteria provided, single submitter. Criteria: Invitae Variant Classification Sherloc (09022015). Collection method: clinical testing. Allele origin: germline.
Comment: In summary, the available evidence is currently insufficient to determine the role of this variant in disease. Therefore, it has been classified as a Variant of Uncertain Significance. This variant has not been reported in the literature in individuals affected with RYR2-related conditions. This variant is not present in population databases (gnomAD no frequency). This sequence change creates a premature translational stop signal (p.Ser734*) in the RYR2 gene. It is expected to result in an absent or disrupted protein product. However, the current clinical and genetic evidence is not sufficient to establish whether loss-of-function variants in RYR2 cause disease.